The following is an entry in ClinVar:

ClinVar aggregate classification (germline): Uncertain significance (1 of 4 stars; one submission).

Conditions:
Cardiovascular phenotype. Identifiers: MedGen CN230736.

Submission:

Ambry Genetics
Classification: Uncertain significance for Cardiovascular phenotype. Last evaluated: 2025-11-07. Review status: criteria provided, single submitter. Criteria: Ambry Variant Classification Scheme 2023. Collection method: clinical testing. Allele origin: germline.
Comment: The p.N151K variant (also known as c.453C>A), located in coding exon 1 of the KCND3 gene, results from a C to A substitution at nucleotide position 453. The asparagine at codon 151 is replaced by lysine, an amino acid with similar properties. This amino acid position is conserved. In addition, this alteration is predicted to be tolerated by in silico analysis. Based on the available evidence, the clinical significance of this variant remains unclear.

NM_001378969.1(KCND3):c.453C>A (p.Asn151Lys)

Gene: KCND3 (potassium voltage-gated channel subfamily D member 3; minus strand). Cytogenetic location: 1p13.2.
Variant type: single nucleotide variant.
Coding change: c.453C>A on transcript NM_001378969.1 (MANE Select); coding-DNA position 453, C replaced by A.
Protein change: p.Asn151Lys; replaces asparagine 151 with lysine.
Molecular consequence: missense variant.
Genome position (GRCh38, 1-based): chr1:111,982,274, G>T on the plus strand (C>A on the coding strand, the complement: KCND3 is on the minus strand). VCF-style: chr1-111982274-G-T. GRCh37 (hg19) VCF-style: chr1-112524896-G-T.
Other names: c.453C>A, p.Asn151Lys (NM_001378970.1, NM_004980.5, NM_172198.3); short protein forms N151K.
Identifiers: ClinVar variation 4614331 (VCV004614331.1).